The following is an entry in ClinVar:

ClinVar aggregate classification (germline): Likely benign (0 of 4 stars; one submission).

Conditions:
PLXNA4-related disorder. Also called: PLXNA4-related condition.

Submission:

PreventionGenetics, part of Exact Sciences
Classification: Likely benign for PLXNA4-related condition. Last evaluated: 2022-09-15. Review status: no assertion criteria provided. Collection method: clinical testing. Allele origin: germline.
Comment: This variant is classified as likely benign based on ACMG/AMP sequence variant interpretation guidelines (Richards et al. 2015 PMID: 25741868, with internal and published modifications).

NM_020911.2(PLXNA4):c.2395+9G>A

Gene: PLXNA4 (plexin A4; minus strand). Cytogenetic location: 7q32.3.
Variant type: single nucleotide variant.
Coding change: c.2395+9G>A on transcript NM_020911.2 (MANE Select); 9 bases into the intron after coding-DNA position 2395, G replaced by A.
Molecular consequence: intron variant.
Genome position (GRCh38, 1-based): chr7:132,203,314, C>T on the plus strand (G>A on the coding strand, the complement: PLXNA4 is on the minus strand). VCF-style: chr7-132203314-C-T. GRCh37 (hg19) VCF-style: chr7-131888073-C-T.
Other names: c.2395+9G>A (NM_001393897.1).
Identifiers: ClinVar variation 3353772 (VCV003353772.1).